The following is an entry in ClinVar:

ClinVar aggregate classification (germline): Uncertain significance (1 of 4 stars; one submission).

Conditions:
Generalized pustular psoriasis. Identifiers: Orphanet 247353, MedGen C0343055, MONDO:0100491.

gnomAD v4.1: 3 of 1,614,024 alleles (0.00019%); highest among the groups gnomAD compares: South Asian, 0.0033%; no homozygotes.

Submission:

Labcorp Genetics (formerly Invitae), Labcorp
Classification: Uncertain significance for Generalized pustular psoriasis. Last evaluated: 2022-12-02. Review status: criteria provided, single submitter. Criteria: Invitae Variant Classification Sherloc (09022015). Collection method: clinical testing. Allele origin: germline.
Comment: In summary, the available evidence is currently insufficient to determine the role of this variant in disease. Therefore, it has been classified as a Variant of Uncertain Significance. Algorithms developed to predict the effect of missense changes on protein structure and function (SIFT, PolyPhen-2, Align-GVGD) all suggest that this variant is likely to be disruptive. This variant has not been reported in the literature in individuals affected with IL36RN-related conditions. This variant is not present in population databases (gnomAD no frequency). This sequence change replaces proline, which is neutral and non-polar, with glutamine, which is neutral and polar, at codon 117 of the IL36RN protein (p.Pro117Gln).

NM_012275.3(IL36RN):c.350C>A (p.Pro117Gln)

Gene: IL36RN (interleukin 36 receptor antagonist; plus strand). Cytogenetic location: 2q14.1.
Variant type: single nucleotide variant.
Coding change: c.350C>A on transcript NM_012275.3 (MANE Select); coding-DNA position 350, C replaced by A.
Protein change: p.Pro117Gln; replaces proline 117 with glutamine.
Molecular consequence: missense variant.
Genome position (GRCh38, 1-based): chr2:113,062,559, C>A. VCF-style: chr2-113062559-C-A. GRCh37 (hg19) VCF-style: chr2-113820136-C-A.
Other names: c.350C>A, p.Pro117Gln (NM_173170.1); short protein forms P117Q.
Identifiers: ClinVar variation 1905702 (VCV001905702.3), dbSNP rs141341649, ClinGen allele CA348290418.
Genomic context (GRCh38, chr2:113,062,559, plus strand): 5'-GCTTCACCTTCTACCGGCGGGACATGGGGCTCACCTCCAGCTTCGAGTCGGCTGCCTACC[C>A]GGGCTGGTTCCTGTGCACGGTGCCTGAAGCCGATCAGCCTGTCAGACTCACCCAGCTTCC-3'
Protein context (NP_036407.1, residues 107-127): LTSSFESAAY[Pro117Gln]GWFLCTVPEA